The following is an entry in ClinVar:

ClinVar aggregate classification (germline): Pathogenic (1 of 4 stars; one submission).

Conditions:
Neurofibromatosis, type 1 (NF1). Also called: NEUROFIBROMATOSIS, TYPE I, SOMATIC; Neurofibromatosis, type I; Peripheral type neurofibromatosis; VON RECKLINGHAUSEN DISEASE. Identifiers: Orphanet 636, MedGen C0027831, MONDO:0018975, OMIM 162200. Disease mechanism: loss of function.

Submission:

Labcorp Genetics (formerly Invitae), Labcorp
Classification: Pathogenic for Neurofibromatosis, type 1. Last evaluated: 2025-05-07. Review status: criteria provided, single submitter. Criteria: Invitae Variant Classification Sherloc (09022015). Collection method: clinical testing. Allele origin: germline.
Comment: This sequence change creates a premature translational stop signal (p.Trp267*) in the NF1 gene. It is expected to result in an absent or disrupted protein product. Loss-of-function variants in NF1 are known to be pathogenic (PMID: 10712197, 23913538). This variant is not present in population databases (gnomAD no frequency). This premature translational stop signal has been observed in individual(s) with neurofibromatosis, type 1 (PMID: 8834249). ClinVar contains an entry for this variant (Variation ID: 2018994). For these reasons, this variant has been classified as Pathogenic.

Literature cited by the submitters: PubMed 10712197; PubMed 23913538; PubMed 8834249.

NM_001042492.3(NF1):c.800G>A (p.Trp267Ter)

Gene: NF1 (neurofibromin 1; plus strand). Cytogenetic location: 17q11.2.
Variant type: single nucleotide variant.
Coding change: c.800G>A on transcript NM_001042492.3 (MANE Select); coding-DNA position 800, G replaced by A.
Protein change: p.Trp267Ter; replaces tryptophan 267 with a stop codon.
Molecular consequence: nonsense.
Genome position (GRCh38, 1-based): chr17:31,182,577, G>A. VCF-style: chr17-31182577-G-A. GRCh37 (hg19) VCF-style: chr17-29509595-G-A.
Other names: c.800G>A, p.Trp267Ter (NM_001128147.3, NM_000267.4); short protein forms W267*.
Identifiers: ClinVar variation 2018994 (VCV002018994.4), dbSNP rs2143785819, ClinGen allele CA398990896.